The following is an entry in ClinVar:

NM_000093.5(COL5A1):c.1165-149C>T

Gene: COL5A1 (collagen type V alpha 1 chain; plus strand). Cytogenetic location: 9q34.3.
Variant type: single nucleotide variant.
Coding change: c.1165-149C>T on transcript NM_000093.5 (MANE Select); 149 bases into the intron before coding-DNA position 1165, C replaced by T.
Molecular consequence: intron variant.
Genome position (GRCh38, 1-based): chr9:134,731,347, C>T. VCF-style: chr9-134731347-C-T. GRCh37 (hg19) VCF-style: chr9-137623193-C-T.
Other names: c.1165-149C>T (NM_001278074.1).
Identifiers: ClinVar variation 672245 (VCV000672245.1), dbSNP rs3124309, ClinGen allele CA12975122.

ClinVar aggregate classification (germline): Benign (1 of 4 stars; one submission).

Allele frequency attached by ClinVar (database versions not stated): gnomAD 0.39306 and 0.40034; TOPMed 0.40200; 1000 Genomes Project 30x 0.40522; 1000 Genomes Project 0.40855; gnomAD exomes 0.45638.
gnomAD v4.1: 361,434 of 810,496 alleles (45%); highest among the groups gnomAD compares: Admixed American, 65%; 84,479 homozygotes.

Submission:

GeneDx
Classification: Benign. Last evaluated: 2018-06-14. Review status: criteria provided, single submitter. Criteria: GeneDx Variant Classification (06012015). Collection method: clinical testing. Allele origin: germline. Affected: yes.
Comment: This variant is considered likely benign or benign based on one or more of the following criteria: it is a conservative change, it occurs at a poorly conserved position in the protein, it is predicted to be benign by multiple in silico algorithms, and/or has population frequency not consistent with disease.